The following is an entry in ClinVar:

NM_001009944.3(PKD1):c.634G>A (p.Ala212Thr)

Gene: PKD1 (polycystin 1, transient receptor potential channel interacting; minus strand). Cytogenetic location: 16p13.3.
Variant type: single nucleotide variant.
Coding change: c.634G>A on transcript NM_001009944.3 (MANE Select); coding-DNA position 634, G replaced by A.
Protein change: p.Ala212Thr; replaces alanine 212 with threonine.
Molecular consequence: missense variant.
Genome position (GRCh38, 1-based): chr16:2,118,358, C>T on the plus strand (G>A on the coding strand, the complement: PKD1 is on the minus strand). VCF-style: chr16-2118358-C-T. GRCh37 (hg19) VCF-style: chr16-2168359-C-T.
Other names: c.634G>A, p.Ala212Thr (NM_000296.4); short protein forms A212T.
Identifiers: ClinVar variation 2397935 (VCV002397935.4), dbSNP rs930784426, ClinGen allele CA276784023.
Genomic context (GRCh38, chr16:2,118,358, plus strand): 5'-ACAGGCACCAGCCCTGCTCCGAGAGGGCTGCGAGGCCCTGGCCGGTGGAGAAGCAGAAGG[C>T]GCTGCAGGCCTCTGGCTGAAGCAGGCCTTCGTGGGCAGCTGAAAAGGACACTGCTGCCAC-3'
Protein context (NP_001009944.3, residues 202-222): EGLLQPEACS[Ala212Thr]FCFSTGQGLA

ClinVar aggregate classification (germline): Uncertain significance. Review status: criteria provided, multiple submitters, no conflicts (2 of 4 stars). 3 submissions from 3 submitters: Uncertain significance (3). Last evaluated 2025-04-03.

Conditions:
Inborn genetic diseases. Identifiers: MedGen C0950123, MeSH D030342.
Polycystic kidney disease, adult type (PKD1). Also called: POLYCYSTIC KIDNEY DISEASE, ADULT, TYPE I; Polycystic Kidney, Autosomal Dominant; Polycystic Kidney Disease 1, Autosomal Dominant; Polycystic kidney disease 1; Polycystic kidney disease 1, severe; POLYCYSTIC KIDNEY DISEASE 1 WITH OR WITHOUT POLYCYSTIC LIVER DISEASE. Identifiers: MedGen C3149841, MONDO:0008263, OMIM 173900.

Allele frequency attached by ClinVar (database versions not stated): gnomAD 0.00004; TOPMed 0.00006; gnomAD exomes 0.00008.
gnomAD v4.1: 99 of 1,355,314 alleles (0.0073%); highest among the groups gnomAD compares: Non-Finnish European, 0.0091%; no homozygotes.

Submissions (3):

GeneDx
Classification: Uncertain significance. Last evaluated: 2025-04-03. Review status: criteria provided, single submitter. Criteria: GeneDx Variant Classification Process June 2021. Collection method: clinical testing. Allele origin: germline. Affected: yes.
Comment: In silico analysis indicates that this missense variant does not alter protein structure/function; Has not been previously published as pathogenic or benign to our knowledge

Ambry Genetics
Classification: Uncertain significance for Inborn genetic diseases. Last evaluated: 2025-02-08. Review status: criteria provided, single submitter. Criteria: Ambry Variant Classification Scheme 2023. Collection method: clinical testing. Allele origin: germline.

Department of Pathology and Laboratory Medicine, Sinai Health System
Classification: Uncertain significance for Polycystic kidney disease, adult type. Last evaluated: 2019-10-10. Review status: criteria provided, single submitter. Criteria: ACMG Guidelines, 2015. Collection method: clinical testing. Allele origin: germline.